The following is an entry in ClinVar:

ClinVar aggregate classification (germline): Uncertain significance. Review status: criteria provided, multiple submitters, no conflicts (2 of 4 stars). 2 submissions from 2 submitters: Uncertain significance (2). Last evaluated 2025-07-16.

gnomAD v4.1: 1 of 1,613,308 alleles (0.000062%); no homozygotes.

Submissions (2):

Labcorp Genetics (formerly Invitae), Labcorp
Classification: Uncertain significance. Last evaluated: 2025-07-16. Review status: criteria provided, single submitter. Criteria: Invitae Variant Classification Sherloc (09022015). Collection method: clinical testing. Allele origin: germline.
Comment: This sequence change replaces glycine, which is neutral and non-polar, with alanine, which is neutral and non-polar, at codon 1386 of the COL7A1 protein (p.Gly1386Ala). This variant is not present in population databases (gnomAD no frequency). This variant has not been reported in the literature in individuals affected with COL7A1-related conditions. ClinVar contains an entry for this variant (Variation ID: 3336570). Invitae Evidence Modeling of protein sequence and biophysical properties (such as structural, functional, and spatial information, amino acid conservation, physicochemical variation, residue mobility, and thermodynamic stability) indicates that this missense variant is not expected to disrupt COL7A1 protein function with a negative predictive value of 95%. This variant disrupts the triple helix domain of COL7A1. Glycine residues within the Gly-Xaa-Yaa repeats of the triple helix domain are required for the structure and stability of fibrillar collagens (PMID: 7695699, 8218237, 19344236), and variants at these glycine residues in COL7A1 are more frequently observed in individuals with disease than in the general population (PMID: 22058051). However, the clinical significance of this observation remains uncertain since only a limited number of affected individuals have been described to date. In summary, the available evidence is currently insufficient to determine the role of this variant in disease. Therefore, it has been classified as a Variant of Uncertain Significance.

Women's Health and Genetics/Laboratory Corporation of America, LabCorp
Classification: Uncertain significance. Last evaluated: 2024-05-15. Review status: criteria provided, single submitter. Criteria: LabCorp Variant Classification Summary - May 2015. Collection method: clinical testing. Allele origin: germline.

Literature cited by the submitters: PubMed 7695699 (cited by Labcorp Genetics (formerly Invitae), Labcorp); PubMed 8218237 (cited by Labcorp Genetics (formerly Invitae), Labcorp); PubMed 19344236 (cited by Labcorp Genetics (formerly Invitae), Labcorp); PubMed 22058051 (cited by Labcorp Genetics (formerly Invitae), Labcorp).

NM_000094.4(COL7A1):c.4157G>C (p.Gly1386Ala)

Gene: COL7A1 (collagen type VII alpha 1 chain; minus strand). Cytogenetic location: 3p21.31.
Variant type: single nucleotide variant.
Coding change: c.4157G>C on transcript NM_000094.4 (MANE Select); coding-DNA position 4157, G replaced by C.
Protein change: p.Gly1386Ala; replaces glycine 1386 with alanine.
Molecular consequence: missense variant.
Genome position (GRCh38, 1-based): chr3:48,584,338, C>G on the plus strand (G>C on the coding strand, the complement: COL7A1 is on the minus strand). VCF-style: chr3-48584338-C-G. GRCh37 (hg19) VCF-style: chr3-48621771-C-G.
Other names: short protein forms G1386A.
Identifiers: ClinVar variation 3336570 (VCV003336570.2).